The following is an entry in ClinVar:

NM_020207.7(ERCC6L2):c.3538_3541del (p.Lys1180fs)

Gene: ERCC6L2 (ERCC excision repair 6 like 2; plus strand). Cytogenetic location: 9q22.32.
Variant type: Microsatellite.
Coding change: c.3538_3541del on transcript NM_020207.7 (MANE Select); coding-DNA positions 3538 to 3541, 4 bases deleted (AAAG; older notation c.3538_3541delAAAG).
Protein change: p.Lys1180fs; shifts the reading frame from lysine 1180.
Molecular consequence: frameshift variant. On other transcripts: non-coding transcript variant (1).
Genome position (GRCh38, 1-based): chr9:96,004,565-96,004,568, AAAG deleted; deleting any 4 consecutive bases within chr9:96,004,561-96,004,568 gives the same sequence; the c. name uses the placement nearest the transcript's 3' end. VCF-style (leftmost placement, unchanged base first): chr9-96004560-CAAAG-C. GRCh37 (hg19) VCF-style: chr9-98766842-CAAAG-C.
Other names: c.3538_3541del, p.Lys1180fs (NM_001375291.1, NM_001375292.1); short protein forms K1180fs.
Identifiers: ClinVar variation 2696334 (VCV002696334.3), dbSNP rs1207761117, ClinGen allele CA868854645.

ClinVar aggregate classification (germline): Pathogenic (1 of 4 stars; one submission).

Submission:

Labcorp Genetics (formerly Invitae), Labcorp
Classification: Pathogenic. Last evaluated: 2025-12-21. Review status: criteria provided, single submitter. Criteria: Invitae Variant Classification Sherloc (09022015). Collection method: clinical testing. Allele origin: germline.
Comment: This sequence change creates a premature translational stop signal (p.Lys1191Alafs*19) in the ERCC6L2 gene. It is expected to result in an absent or disrupted protein product. Loss-of-function variants in ERCC6L2 are known to be pathogenic (PMID: 24507776, 27185855, 29146883, 29987015). This variant is not present in population databases (gnomAD no frequency). This variant has not been reported in the literature in individuals affected with ERCC6L2-related conditions. For these reasons, this variant has been classified as Pathogenic.

Literature cited by the submitters: PubMed 24507776; PubMed 27185855; PubMed 29146883; PubMed 29987015.